The following is an entry in ClinVar:

ClinVar aggregate classification (germline): Uncertain significance. Review status: criteria provided, multiple submitters, no conflicts (2 of 4 stars). 2 submissions from 2 submitters: Uncertain significance (2). Last evaluated 2022-12-22.

Conditions:
Emery-Dreifuss muscular dystrophy 5, autosomal dominant (EDMD5). Also called: EMERY-DREIFUSS MUSCULAR DYSTROPHY 5. Identifiers: Orphanet 261, MedGen C2751805, MONDO:0013072, OMIM 612999.

Allele frequency attached by ClinVar (database versions not stated): ExAC 0.00001; gnomAD 0.00001; gnomAD exomes 0.00001 and 0.00002; TOPMed 0.00001.
gnomAD v4.1: 28 of 1,614,096 alleles (0.0017%); highest among the groups gnomAD compares: Non-Finnish European, 0.0022%; no homozygotes.

Submissions (2):

Revvity Omics, Revvity
Classification: Uncertain significance for Emery-Dreifuss muscular dystrophy 5, autosomal dominant. Last evaluated: 2022-12-22. Review status: criteria provided, single submitter. Criteria: ACMG Guidelines, 2015. Collection method: clinical testing. Allele origin: germline.

Labcorp Genetics (formerly Invitae), Labcorp
Classification: Uncertain significance for Emery-Dreifuss muscular dystrophy 5, autosomal dominant. Last evaluated: 2016-12-08. Review status: criteria provided, single submitter. Criteria: Invitae Variant Classification Sherloc (09022015). Collection method: clinical testing. Allele origin: germline.
Comment: This sequence change replaces glutamic acid with valine at codon 2783 of the SYNE2 protein (p.Glu2783Val). The glutamic acid residue is weakly conserved and there is a moderate physicochemical difference between glutamic acid and valine. This variant is present in population databases (rs773304417, ExAC 0.001%) but has not been reported in the literature in individuals with a SYNE2-related disease. Algorithms developed to predict the effect of missense changes on protein structure and function do not agree on the potential impact of this missense change (SIFT: "Tolerated"; PolyPhen-2: "Possibly Damaging"; Align-GVGD: "Class C0"). Algorithms developed to predict the effect of sequence changes on RNA splicing suggest that this variant may alter RNA splicing, but this prediction has not been confirmed by published transcriptional studies. In summary, this variant is a rare missense change with uncertain impact on protein function. There is no indication that it causes disease, but the available evidence is currently insufficient to prove that conclusively. Therefore, it has been classified as a Variant of Uncertain Significance.

NM_182914.3(SYNE2):c.8348A>T (p.Glu2783Val)

Gene: SYNE2 (spectrin repeat containing nuclear envelope protein 2; plus strand). Cytogenetic location: 14q23.2.
Variant type: single nucleotide variant.
Coding change: c.8348A>T on transcript NM_182914.3 (MANE Select); coding-DNA position 8348, A replaced by T.
Protein change: p.Glu2783Val; replaces glutamic acid 2783 with valine.
Molecular consequence: missense variant.
Genome position (GRCh38, 1-based): chr14:64,052,261, A>T. VCF-style: chr14-64052261-A-T. GRCh37 (hg19) VCF-style: chr14-64518979-A-T.
Other names: c.8348A>T, p.Glu2783Val (NM_015180.6); short protein forms E2783V.
Identifiers: ClinVar variation 470985 (VCV000470985.4), dbSNP rs773304417, ClinGen allele CA7221088.